The following is an entry in ClinVar:

NM_001134831.2(AHI1):c.2270A>T (p.His757Leu)

Gene: AHI1 (Abelson helper integration site 1; minus strand). Cytogenetic location: 6q23.3.
Variant type: single nucleotide variant.
Coding change: c.2270A>T on transcript NM_001134831.2 (MANE Select); coding-DNA position 2270, A replaced by T.
Protein change: p.His757Leu; replaces histidine 757 with leucine.
Molecular consequence: missense variant.
Genome position (GRCh38, 1-based): chr6:135,431,311, T>A on the plus strand (A>T on the coding strand, the complement: AHI1 is on the minus strand). VCF-style: chr6-135431311-T-A. GRCh37 (hg19) VCF-style: chr6-135752449-T-A.
Other names: c.2270A>T, p.His757Leu (NM_001134830.2, NM_001134832.2, NM_001350503.2 and 2 more transcripts); short protein forms H757L.
Identifiers: ClinVar variation 1413208 (VCV001413208.6), dbSNP rs2128016998, ClinGen allele CA365743332.

ClinVar aggregate classification (germline): Uncertain significance (1 of 4 stars; one submission).

Conditions:
Joubert syndrome. Also called: CEREBELLOPARENCHYMAL DISORDER IV; JOUBERT-BOLTSHAUSER SYNDROME; Familial aplasia of the vermis. Identifiers: Orphanet 475, MedGen C5979921, MONDO:0018772.

Submission:

Labcorp Genetics (formerly Invitae), Labcorp
Classification: Uncertain significance for Joubert syndrome. Last evaluated: 2022-08-16. Review status: criteria provided, single submitter. Criteria: Invitae Variant Classification Sherloc (09022015). Collection method: clinical testing. Allele origin: germline.
Comment: This variant is not present in population databases (gnomAD no frequency). In summary, the available evidence is currently insufficient to determine the role of this variant in disease. Therefore, it has been classified as a Variant of Uncertain Significance. Advanced modeling of protein sequence and biophysical properties (such as structural, functional, and spatial information, amino acid conservation, physicochemical variation, residue mobility, and thermodynamic stability) performed at Invitae indicates that this missense variant is not expected to disrupt AHI1 protein function. ClinVar contains an entry for this variant (Variation ID: 1413208). This variant has not been reported in the literature in individuals affected with AHI1-related conditions. This sequence change replaces histidine, which is basic and polar, with leucine, which is neutral and non-polar, at codon 757 of the AHI1 protein (p.His757Leu).